The following is an entry in ClinVar:

NM_139159.5(DPP9):c.427-207C>A

Genes: DPP9 (dipeptidyl peptidase 9; minus strand), LOC126862841 (BRD4-independent group 4 enhancer GRCh37_chr19:4703720-4704919; plus strand). Cytogenetic location: 19p13.3.
Variant type: single nucleotide variant.
Coding change: c.427-207C>A on transcript NM_139159.5 (MANE Select); 207 bases into the intron before coding-DNA position 427, C replaced by A.
Molecular consequence: intron variant.
Genome position (GRCh38, 1-based): chr19:4,704,511, G>T on the plus strand (C>A on the coding strand, the complement: DPP9 is on the minus strand). VCF-style: chr19-4704511-G-T. GRCh37 (hg19) VCF-style: chr19-4704523-G-T.
Other names: c.427-207C>A (NM_001384615.1, NM_001384619.1, NM_001384631.1 and 19 more transcripts); c.340-207C>A (NM_001384625.1, NM_001384623.1, NM_001384626.1 and 4 more transcripts).
Identifiers: ClinVar variation 4538238 (VCV004538238.1).
Genomic context (GRCh38, chr19:4,704,511, plus strand): 5'-GCTGCCGGAGCCCTTGACACAGTGGGTGGCCAAAGATTGCCAGCGAACCTGGCCCTGCAG[G>T]ACTGGCTGAGTGTCCTAGGAGGTGGCAGGGGAGACTCTGGGGCCAGAAGCCTCCTCACTT-3'

ClinVar aggregate classification (germline): Uncertain significance (1 of 4 stars; one submission).

gnomAD v4.1: 8 of 152,190 alleles (0.0053%); highest among the groups gnomAD compares: African/African-American, 0.017%; no homozygotes.

Submission:

Greenwood Genetic Center Diagnostic Laboratories, Greenwood Genetic Center
Classification: Uncertain significance. Last evaluated: 2025-05-14. Review status: criteria provided, single submitter. Criteria: ACMG Guidelines, 2015. Collection method: clinical testing. Allele origin: germline. Affected: yes.
Comment: PM2, BP4